The following is an entry in ClinVar:

ClinVar aggregate classification (germline): Benign (1 of 4 stars; one submission).

Submission:

GeneDx
Classification: Benign. Last evaluated: 2018-06-19. Review status: criteria provided, single submitter. Criteria: GeneDx Variant Classification (06012015). Collection method: clinical testing. Allele origin: germline. Affected: yes.
Comment: This variant is considered likely benign or benign based on one or more of the following criteria: it is a conservative change, it occurs at a poorly conserved position in the protein, it is predicted to be benign by multiple in silico algorithms, and/or has population frequency not consistent with disease.

NM_000722.4(CACNA2D1):c.1956-99del

Gene: CACNA2D1 (calcium voltage-gated channel auxiliary subunit alpha2delta 1; minus strand). Cytogenetic location: 7q21.11.
Variant type: Deletion.
Coding change: c.1956-99del on transcript NM_000722.4 (MANE Select); 99 bases into the intron before coding-DNA position 1956, one base deleted (T; older notation c.1956-99delT).
Molecular consequence: intron variant.
Genome position (GRCh38, 1-based): chr7:81,974,651, A deleted on the plus strand (T on the coding strand, the reverse complement: CACNA2D1 is on the minus strand); the first of 2 consecutive A bases (chr7:81,974,651-81,974,652); deleting either gives the same sequence. VCF-style (leftmost placement, unchanged base first): chr7-81974650-CA-C. GRCh37 (hg19) VCF-style: chr7-81603966-CA-C.
Other names: c.1992-99del (NM_001366867.1).
Identifiers: ClinVar variation 674591 (VCV000674591.1), dbSNP rs138987517, ClinGen allele CA161125820.